The following is an entry in ClinVar:

ClinVar aggregate classification (germline): Uncertain significance. Review status: criteria provided, multiple submitters, no conflicts (2 of 4 stars). 2 submissions from 2 submitters: Uncertain significance (2). Last evaluated 2025-12-29.

Conditions:
Hereditary cancer-predisposing syndrome. Also called: Hereditary Cancer Syndrome; Hereditary neoplastic syndrome; Neoplastic Syndromes, Hereditary; Tumor predisposition. Identifiers: Orphanet 140162, MedGen C0027672, MeSH D009386, MONDO:0015356.
Gastrointestinal stromal tumor. Also called: Gastrointestinal stromal tumor, somatic; Gastrointestinal stroma tumor. Identifiers: Orphanet 44890, MedGen C0238198, MeSH D046152, MONDO:0011719, OMIM 606764, HP:0100723.

Allele frequency attached by ClinVar (database versions not stated): gnomAD exomes below 0.00001; TOPMed 0.00001.
gnomAD v4.1: 1 of 1,613,880 alleles (0.000062%); highest among the groups gnomAD compares: Non-Finnish European, 0.000085%; no homozygotes.

Submissions (2):

Labcorp Genetics (formerly Invitae), Labcorp
Classification: Uncertain significance for Gastrointestinal stromal tumor. Last evaluated: 2025-12-29. Review status: criteria provided, single submitter. Criteria: Invitae Variant Classification Sherloc (09022015). Collection method: clinical testing. Allele origin: germline.
Comment: This sequence change replaces lysine, which is basic and polar, with arginine, which is basic and polar, at codon 116 of the KIT protein (p.Lys116Arg). This variant is not present in population databases (gnomAD no frequency). This variant has not been reported in the literature in individuals affected with KIT-related conditions. ClinVar contains an entry for this variant (Variation ID: 2447522). An algorithm developed to predict the effect of missense changes on protein structure and function outputs the following: PolyPhen-2: "Benign". The arginine amino acid residue is found in multiple mammalian species, which suggests that this missense change does not adversely affect protein function. In summary, the available evidence is currently insufficient to determine the role of this variant in disease. Therefore, it has been classified as a Variant of Uncertain Significance.

Ambry Genetics
Classification: Uncertain significance for Hereditary cancer-predisposing syndrome. Last evaluated: 2025-04-04. Review status: criteria provided, single submitter. Criteria: Ambry Variant Classification Scheme 2023. Collection method: clinical testing. Allele origin: germline.
Comment: The p.K116R variant (also known as c.347A>G), located in coding exon 3 of the KIT gene, results from an A to G substitution at nucleotide position 347. The lysine at codon 116 is replaced by arginine, an amino acid with highly similar properties. This amino acid position is conserved. In addition, this alteration is predicted to be tolerated by in silico analysis. Since supporting evidence is limited at this time, the clinical significance of this alteration remains unclear.

NM_000222.3(KIT):c.347A>G (p.Lys116Arg)

Gene: KIT (KIT proto-oncogene, receptor tyrosine kinase; plus strand). Cytogenetic location: 4q12.
Variant type: single nucleotide variant.
Coding change: c.347A>G on transcript NM_000222.3 (MANE Select); coding-DNA position 347, A replaced by G.
Protein change: p.Lys116Arg; replaces lysine 116 with arginine.
Molecular consequence: missense variant.
Genome position (GRCh38, 1-based): chr4:54,698,293, A>G. VCF-style: chr4-54698293-A-G. GRCh37 (hg19) VCF-style: chr4-55564459-A-G.
Other names: c.347A>G, p.Lys116Arg (NM_001093772.2, NM_001385284.1, NM_001385285.1 and 4 more transcripts); short protein forms K116R.
Identifiers: ClinVar variation 2447522 (VCV002447522.4), dbSNP rs1435179275, ClinGen allele CA356897391.
Genomic context (GRCh38, chr4:54,698,293, plus strand): 5'-AGTGTCTGTGACCAGCCATTCCAACTACTGATTTTGGATATGCTTCTATAGATCCTGCCA[A>G]GCTTTTCCTTGTTGACCGCTCCTTGTATGGGAAAGAAGACAACGACACGCTGGTCCGCTG-3'
Protein context (NP_000213.1, residues 106-126): SIYVFVRDPA[Lys116Arg]LFLVDRSLYG